The following is an entry in ClinVar:

ClinVar aggregate classification (germline): Likely pathogenic (1 of 4 stars; one submission).

Conditions:
Dilated cardiomyopathy 1G (CMD1G). Identifiers: Orphanet 154, MedGen C1858763, MONDO:0011400, OMIM 604145.
Autosomal recessive limb-girdle muscular dystrophy type 2J (LGMDR10). Also called: Limb-girdle muscular dystrophy, type 2J; MUSCULAR DYSTROPHY, LIMB-GIRDLE, AUTOSOMAL RECESSIVE 10. Identifiers: Orphanet 140922, MedGen C1837342, MONDO:0012127, OMIM 608807.

Submission:

Labcorp Genetics (formerly Invitae), Labcorp
Classification: Likely pathogenic for Dilated cardiomyopathy 1G; Autosomal recessive limb-girdle muscular dystrophy type 2J. Last evaluated: 2025-10-11. Review status: criteria provided, single submitter. Criteria: Invitae Variant Classification Sherloc (09022015). Collection method: clinical testing. Allele origin: germline.
Comment: This sequence change creates a premature translational stop signal (p.Tyr18948*) in the TTN gene. While this is not anticipated to result in nonsense mediated decay, it is expected to create a truncated TTN protein. This variant is not present in population databases (gnomAD no frequency). This variant has not been reported in the literature in individuals affected with TTN-related conditions. This variant is located in the A band of TTN (PMID: 25589632). Truncating variants in this region are significantly overrepresented in patients affected with dilated cardiomyopathy (PMID: 25589632). Truncating variants in this region have also been reported in individuals affected with autosomal recessive centronuclear myopathy (PMID: 23975875). In summary, the currently available evidence indicates that the variant is pathogenic, but additional data are needed to prove that conclusively. Therefore, this variant has been classified as Likely Pathogenic.

Literature cited by the submitters: PubMed 25589632; PubMed 23975875.

NM_001267550.2(TTN):c.56844T>A (p.Tyr18948Ter)

Genes: TTN (titin; minus strand), TTN-AS1 (TTN antisense RNA 1; plus strand). Cytogenetic location: 2q31.2.
Variant type: single nucleotide variant.
Coding change: c.56844T>A on transcript NM_001267550.2 (MANE Select); coding-DNA position 56844, T replaced by A.
Protein change: p.Tyr18948Ter; replaces tyrosine 18948 with a stop codon.
Molecular consequence: nonsense.
Genome position (GRCh38, 1-based): chr2:178,598,866, A>T on the plus strand (T>A on the coding strand, the complement: TTN is on the minus strand). VCF-style: chr2-178598866-A-T. GRCh37 (hg19) VCF-style: chr2-179463593-A-T.
Other names: c.51921T>A, p.Tyr17307Ter (NM_001256850.1); c.29649T>A, p.Tyr9883Ter (NM_003319.4); c.49140T>A, p.Tyr16380Ter (NM_133378.4); c.30024T>A, p.Tyr10008Ter (NM_133432.3); c.30225T>A, p.Tyr10075Ter (NM_133437.4); short protein forms Y10008*, Y10075*, Y17307*, Y18948*, Y16380*, Y9883*.
Identifiers: ClinVar variation 4784676 (VCV004784676.1).
Genomic context (GRCh38, chr2:178,598,866, plus strand): 5'-AGCATTGATTGCATATACCCGGAATTGATAGTCGGAACCTTCAATAAGACCAGTCACTTT[A>T]TAAGAAACACCCAAAGTCATGGCTTTGATAGGATCTCGGTTAACTCTCTTCCATCTCTTT-3'